The following is an entry in ClinVar:

ClinVar aggregate classification (germline): Uncertain significance (1 of 4 stars; one submission).

Allele frequency attached by ClinVar (database versions not stated): gnomAD exomes below 0.00001 and 0.00001; ExAC 0.00001; gnomAD 0.00001; TOPMed 0.00001.
gnomAD v4.1: 8 of 1,588,954 alleles (0.0005%); highest among the groups gnomAD compares: Admixed American, 0.0087%; no homozygotes.

Submission:

Labcorp Genetics (formerly Invitae), Labcorp
Classification: Uncertain significance. Last evaluated: 2024-04-11. Review status: criteria provided, single submitter. Criteria: Invitae Variant Classification Sherloc (09022015). Collection method: clinical testing. Allele origin: germline.
Comment: This sequence change replaces alanine, which is neutral and non-polar, with glycine, which is neutral and non-polar, at codon 69 of the ERBB2 protein (p.Ala69Gly). This variant is present in population databases (rs777347427, gnomAD 0.007%). This variant has not been reported in the literature in individuals affected with ERBB2-related conditions. ClinVar contains an entry for this variant (Variation ID: 1439055). Advanced modeling of protein sequence and biophysical properties (such as structural, functional, and spatial information, amino acid conservation, physicochemical variation, residue mobility, and thermodynamic stability) performed at Invitae indicates that this missense variant is not expected to disrupt ERBB2 protein function with a negative predictive value of 80%. In summary, the available evidence is currently insufficient to determine the role of this variant in disease. Therefore, it has been classified as a Variant of Uncertain Significance.

NM_004448.4(ERBB2):c.206C>G (p.Ala69Gly)

Gene: ERBB2 (erb-b2 receptor tyrosine kinase 2; plus strand). Cytogenetic location: 17q12.
Variant type: single nucleotide variant.
Coding change: c.206C>G on transcript NM_004448.4 (MANE Select); coding-DNA position 206, C replaced by G.
Protein change: p.Ala69Gly; replaces alanine 69 with glycine.
Molecular consequence: missense variant. On other transcripts: non-coding transcript variant (1), intron variant (1).
Genome position (GRCh38, 1-based): chr17:39,707,122, C>G. VCF-style: chr17-39707122-C-G. GRCh37 (hg19) VCF-style: chr17-37863375-C-G.
Other names: c.116C>G, p.Ala39Gly (NM_001005862.3, NM_001289938.2, NM_001382782.1 and 1 more transcripts); c.161C>G, p.Ala54Gly (NM_001289936.2); c.206C>G, p.Ala69Gly (NM_001289937.2, NM_001382784.1, NM_001382785.1 and 20 more transcripts); c.74-4806C>G (NM_001382804.1); short protein forms A54G, A39G, A69G.
Identifiers: ClinVar variation 1439055 (VCV001439055.8), dbSNP rs777347427, ClinGen allele CA8533550.